The following is an entry in ClinVar:

NM_206933.4(USH2A):c.14439T>A (p.Cys4813Ter)

Gene: USH2A (usherin; minus strand). Cytogenetic location: 1q41.
Variant type: single nucleotide variant.
Coding change: c.14439T>A on transcript NM_206933.4 (MANE Select); coding-DNA position 14439, T replaced by A.
Protein change: p.Cys4813Ter; replaces cysteine 4813 with a stop codon.
Molecular consequence: nonsense.
Genome position (GRCh38, 1-based): chr1:215,648,671, A>T on the plus strand (T>A on the coding strand, the complement: USH2A is on the minus strand). VCF-style: chr1-215648671-A-T. GRCh37 (hg19) VCF-style: chr1-215822013-A-T.
Other names: short protein forms C4813*.
Identifiers: ClinVar variation 4062794 (VCV004062794.2).

ClinVar aggregate classification (germline): Likely pathogenic (1 of 4 stars; one submission).

Conditions:
Usher syndrome type 2A. Also called: RETINAL DISEASE IN USHER SYNDROME TYPE IIA, MODIFIER OF; USHER SYNDROME, TYPE IIA. Identifiers: Orphanet 231178, Orphanet 886, MedGen C1848634, MONDO:0010169, OMIM 276901.

Submission:

Natera, Inc.
Classification: Likely pathogenic for Usher syndrome type 2A. Last evaluated: 2025-02-16. Review status: criteria provided, single submitter. Criteria: Natera Variant Classification Schema (03/2026). Collection method: clinical testing. Allele origin: germline.
Comment: The c.14439T>A variant in USH2A is a nonsense variant predicted to introduce a stop codon at amino acid 4813. This variant is expected to result in nonsense mediated decay, truncation, or a dysfunctional protein product. This variant is rare in the general population with a frequency below the threshold expected for the associated phenotype(s). Given the available evidence, this variant is classified as Likely Pathogenic.